The following is an entry in ClinVar:

ClinVar aggregate classification (germline): Conflicting classifications of pathogenicity. Review status: criteria provided, conflicting classifications (1 of 4 stars). 7 submissions from 6 submitters: Uncertain significance (2); Likely benign (5). Last evaluated 2026-01-24.

Conditions:
Leigh syndrome (NULS). Also called: Leigh's syndrome; Leigh's necrotizing encephalopathy; Leigh's disease; Subacute necrotizing encephalopathy; Necrotizing encephalopathy infantile subacute of Leigh; Leigh Syndrome (mtDNA deletion). Identifiers: Orphanet 506, MedGen C2931891, MONDO:0009723, OMIM 256000.
NDUFV1-related disorder. Also called: NDUFV1-related disorders; NDUFV1-related condition.
Mitochondrial complex I deficiency, nuclear type 1. Also called: NADH-COENZYME Q REDUCTASE DEFICIENCY; MITOCHONDRIAL NADH DEHYDROGENASE COMPONENT OF COMPLEX I, DEFICIENCY OF. Identifiers: MedGen C6022305, MONDO:0100224, OMIM 252010.

Allele frequency attached by ClinVar (database versions not stated): ESP Exome Variant Server 0.00015; ExAC 0.00017; gnomAD 0.00018 and 0.00019; gnomAD exomes 0.00021 and 0.00042; TOPMed 0.00023.

Submissions (7):

Labcorp Genetics (formerly Invitae), Labcorp
Classification: Likely benign. Last evaluated: 2026-01-24. Review status: criteria provided, single submitter. Criteria: Invitae Variant Classification Sherloc (09022015). Collection method: clinical testing. Allele origin: germline.

Mayo Clinic Laboratories, Mayo Clinic
Classification: Likely benign. Last evaluated: 2025-04-29. Review status: criteria provided, single submitter. Criteria: ACMG Guidelines, 2015. Collection method: clinical testing. Allele origin: germline. Observed: 1 variant allele.
Comment: BP4, BP7

PreventionGenetics, part of Exact Sciences
Classification: Likely benign for NDUFV1-related condition. Last evaluated: 2025-03-07. Review status: criteria provided, single submitter. Criteria: ACMG Guidelines, 2015. Collection method: clinical testing. Allele origin: germline.
Comment: This variant is classified as likely benign based on ACMG/AMP sequence variant interpretation guidelines (Richards et al. 2015 PMID: 25741868, with internal and published modifications).

CeGaT Center for Human Genetics Tuebingen
Classification: Likely benign. Last evaluated: 2023-11-01. Review status: criteria provided, single submitter. Criteria: CeGaT Center For Human Genetics Tuebingen Variant Classification Criteria Version 2. Collection method: clinical testing. Allele origin: germline. Affected: yes. Observed: 3 variant alleles.
Comment: NDUFV1: BP4, BP7

Illumina Laboratory Services, Illumina
Classification: Uncertain significance for Mitochondrial complex I deficiency, nuclear type 1. Last evaluated: 2018-01-13. Review status: criteria provided, single submitter. Criteria: ICSL Variant Classification Criteria 13 December 2019. Collection method: clinical testing. Allele origin: germline.

Illumina Laboratory Services, Illumina
Classification: Uncertain significance for Leigh syndrome. Last evaluated: 2018-01-13. Review status: criteria provided, single submitter. Criteria: ICSL Variant Classification Criteria 13 December 2019. Collection method: clinical testing. Allele origin: germline.

GeneDx
Classification: Likely benign. Last evaluated: 2016-11-04. Review status: criteria provided, single submitter. Criteria: GeneDx Variant Classification (06012015). Collection method: clinical testing. Allele origin: germline. Affected: yes.
Comment: This variant is considered likely benign or benign based on one or more of the following criteria: it is a conservative change, it occurs at a poorly conserved position in the protein, it is predicted to be benign by multiple in silico algorithms, and/or has population frequency not consistent with disease.

NM_007103.4(NDUFV1):c.205C>T (p.Leu69=)

Gene: NDUFV1 (NADH:ubiquinone oxidoreductase core subunit V1; plus strand). Cytogenetic location: 11q13.2.
Variant type: single nucleotide variant.
Coding change: c.205C>T on transcript NM_007103.4 (MANE Select); coding-DNA position 205, C replaced by T.
Protein change: p.Leu69=; no amino-acid change (leucine 69 retained).
Molecular consequence: synonymous variant.
Genome position (GRCh38, 1-based): chr11:67,608,601, C>T. VCF-style: chr11-67608601-C-T. GRCh37 (hg19) VCF-style: chr11-67376072-C-T.
Other names: p.Leu69=; c.178C>T, p.Leu60= (NM_001166102.2).
Identifiers: ClinVar variation 305740 (VCV000305740.39), dbSNP rs199543483, ClinGen allele CA6143111.
Genomic context (GRCh38, chr11:67,608,601, plus strand): 5'-ATTCTGTCCAGGCTGAAAGGTTCCCTGAGTCGAGGTGACTGGTACAAGACAAAGGAGATC[C>T]TGCTGAAGGGGCCCGACTGGATCCTGGGCGAGATCAAGACATCGGGTTTGAGGGGCCGTG-3'
Protein context (NP_009034.2, residues 59-79): RGDWYKTKEI[Leu69=]LKGPDWILGE